The following is an entry in ClinVar:

NM_001134363.3(RBM20):c.850G>A (p.Gly284Arg)

Gene: RBM20 (RNA binding motif protein 20; plus strand). Cytogenetic location: 10q25.2.
Variant type: single nucleotide variant.
Coding change: c.850G>A on transcript NM_001134363.3 (MANE Select); coding-DNA position 850, G replaced by A.
Protein change: p.Gly284Arg; replaces glycine 284 with arginine.
Molecular consequence: missense variant.
Genome position (GRCh38, 1-based): chr10:110,781,459, G>A. VCF-style: chr10-110781459-G-A. GRCh37 (hg19) VCF-style: chr10-112541217-G-A.
Other names: p.G284R:GGA>AGA; short protein forms G284R.
Identifiers: ClinVar variation 44028 (VCV000044028.58), dbSNP rs201148126, ClinGen allele CA133420.

ClinVar aggregate classification (germline): Conflicting classifications of pathogenicity. Review status: criteria provided, conflicting classifications (1 of 4 stars). 13 submissions from 13 submitters: Uncertain significance (7); Likely benign (6). Last evaluated 2026-06-01.

Conditions:
Cardiovascular phenotype. Identifiers: MedGen CN230736.
Cardiomyopathy (CMYO). Also called: Cardiomyopathies. Identifiers: Orphanet 167848, MedGen C0878544, MONDO:0004994, HP:0001638. Inheritance: Various modes of inheritance.
Dilated cardiomyopathy 1DD (CMD1DD). Identifiers: Orphanet 154, MedGen C2750995, MONDO:0013168, OMIM 613172.

Allele frequency attached by ClinVar (database versions not stated): gnomAD 0.00025; TOPMed 0.00043; ExAC 0.00046; ESP Exome Variant Server 0.00066.
gnomAD v4.1: 1,412 of 1,551,332 alleles (0.091%); highest among the groups gnomAD compares: Non-Finnish European, 0.12%; 1 homozygote.

Submissions (13):

Women's Health and Genetics/Laboratory Corporation of America, LabCorp
Classification: Likely benign. Last evaluated: 2026-06-01. Review status: criteria provided, single submitter. Criteria: LabCorp Variant Classification Summary - May 2015. Collection method: clinical testing. Allele origin: germline.
Comment: Variant summary: RBM20 c.850G>A (p.Gly284Arg) results in a non-conservative amino acid change in the encoded protein sequence. Algorithms developed to predict the effect of missense changes on protein structure and function all suggest that this variant is likely to be disruptive. The variant allele was found at a frequency of 0.00033 in 153600 control chromosomes, predominantly at a frequency of 0.00079 within the Non-Finnish European subpopulation in the gnomAD database. The observed variant frequency within Non-Finnish European control individuals in the gnomAD database exceeds the estimated maximal expected allele frequency for disease-causing variants in RBM20. c.850G>A has been observed in individuals affected with RBM20-related conditions (Lopes_2013, Neubauer_2017, Parikh_2019, vanLint_2019, Gaertner_2020). These report) do not provide unequivocal conclusions about association of the variant with disease. Co-occurrences with other pathogenic variants have been reported (MYBPC3 c.1624+4A>T; MYBPC3 c.1624G>C, p.E542Q), providing supporting evidence for a benign role. To our knowledge, no experimental evidence demonstrating an impact on protein function has been reported. The following publications have been ascertained in the context of this evaluation (PMID: 32840935, 23396983, 28074886, 30871351, 30847666). ClinVar contains an entry for this variant (Variation ID: 44028). Based on the evidence outlined above, the variant was classified as likely benign.

Labcorp Genetics (formerly Invitae), Labcorp
Classification: Likely benign for Dilated cardiomyopathy 1DD. Last evaluated: 2026-01-31. Review status: criteria provided, single submitter. Criteria: Invitae Variant Classification Sherloc (09022015). Collection method: clinical testing. Allele origin: germline.

Mayo Clinic Laboratories, Mayo Clinic
Classification: Uncertain significance. Last evaluated: 2025-11-07. Review status: criteria provided, single submitter. Criteria: ACMG Guidelines, 2015. Collection method: clinical testing. Allele origin: germline. Observed: 3 variant alleles.
Comment: BS1

Molecular Diagnostic Laboratory for Inherited Cardiovascular Disease, Montreal Heart Institute
Classification: Uncertain significance for Cardiovascular phenotype. Last evaluated: 2025-04-09. Review status: criteria provided, single submitter. Criteria: ACMG Guidelines, 2015. Collection method: clinical testing. Allele origin: germline. Affected: yes.

Blueprint Genetics
Classification: Likely benign. Last evaluated: 2024-11-12. Review status: criteria provided, single submitter. Criteria: ACMG Guidelines, 2015. Collection method: clinical testing. Allele origin: germline.

GeneDx
Classification: Likely benign. Last evaluated: 2024-05-14. Review status: criteria provided, single submitter. Criteria: GeneDx Variant Classification Process June 2021. Collection method: clinical testing. Allele origin: germline. Affected: yes.
Comment: See Variant Classification Assertion Criteria.

ARUP Laboratories, Molecular Genetics and Genomics, ARUP Laboratories
Classification: Uncertain significance for Dilated cardiomyopathy 1DD. Last evaluated: 2023-10-16. Review status: criteria provided, single submitter. Criteria: ARUP Molecular Germline Variant Investigation Process 2024. Collection method: clinical testing. Allele origin: germline.

CHEO Genetics Diagnostic Laboratory, Children's Hospital of Eastern Ontario
Classification: Likely benign for Cardiomyopathy. Last evaluated: 2023-02-21. Review status: criteria provided, single submitter. Criteria: ACMG Guidelines, 2015. Collection method: clinical testing. Allele origin: germline.

Ambry Genetics
Classification: Likely benign for Cardiovascular phenotype. Last evaluated: 2021-05-21. Review status: criteria provided, single submitter. Criteria: Ambry Variant Classification Scheme 2023. Collection method: clinical testing. Allele origin: germline.

Illumina Laboratory Services, Illumina
Classification: Uncertain significance for Dilated cardiomyopathy 1DD. Last evaluated: 2018-01-13. Review status: criteria provided, single submitter. Criteria: ICSL Variant Classification Criteria 13 December 2019. Collection method: clinical testing. Allele origin: germline.

Laboratory for Molecular Medicine, Mass General Brigham Personalized Medicine
Classification: Uncertain significance. Last evaluated: 2017-12-08. Review status: criteria provided, single submitter. Criteria: LMM Criteria. Collection method: clinical testing. Allele origin: germline. Observed: 2 variant alleles.
Comment: Variant classified as Uncertain Significance - Favor Benign. It has also been identified in 0.07% (53/71906) of Europ ean chromosomes by the Genome Aggregation Database (gnomAD; dbSNP rs201148126). Computational prediction tools and conservatio n analysis do not provide strong support for or against an impact to the protein . In summary, while the clinical significance of the p.Gly284Arg variant is unce rtain, its frequency suggests that it is more likely to be benign. ACMG/AMP Crit eria applied: BS1.

Stanford Center for Inherited Cardiovascular Disease, Stanford University
Classification: Uncertain significance. Last evaluated: 2017-08-08. Review status: criteria provided, single submitter. Criteria: ACMG Guidelines, 2015. Collection method: provider interpretation. Allele origin: germline.

Fulgent Genetics
Classification: Uncertain significance for Dilated cardiomyopathy 1DD. Last evaluated: 2017-05-23. Review status: criteria provided, single submitter. Criteria: ACMG Guidelines, 2015. Collection method: clinical testing. Allele origin: unknown.

Literature cited by the submitters: PubMed 23396983 (cited by Women's Health and Genetics/Laboratory Corporation of America, LabCorp and Mayo Clinic Laboratories, Mayo Clinic); PubMed 28074886 (cited by Women's Health and Genetics/Laboratory Corporation of America, LabCorp and Mayo Clinic Laboratories, Mayo Clinic); PubMed 30871351 (cited by Women's Health and Genetics/Laboratory Corporation of America, LabCorp); PubMed 30847666 (cited by Women's Health and Genetics/Laboratory Corporation of America, LabCorp and Mayo Clinic Laboratories, Mayo Clinic); PubMed 32840935 (cited by Women's Health and Genetics/Laboratory Corporation of America, LabCorp and Mayo Clinic Laboratories, Mayo Clinic).